The following is an entry in ClinVar:

NM_004855.5(PIGB):c.418-13T>A

Gene: PIGB (phosphatidylinositol glycan anchor biosynthesis class B; plus strand). Cytogenetic location: 15q21.3.
Variant type: single nucleotide variant.
Coding change: c.418-13T>A on transcript NM_004855.5 (MANE Select); 13 bases into the intron before coding-DNA position 418, T replaced by A.
Molecular consequence: intron variant.
Genome position (GRCh38, 1-based): chr15:55,327,518, T>A. VCF-style: chr15-55327518-T-A. GRCh37 (hg19) VCF-style: chr15-55619716-T-A.
Identifiers: ClinVar variation 1931604 (VCV001931604.2), dbSNP rs376020628, ClinGen allele CA7573843.

ClinVar aggregate classification (germline): Uncertain significance (1 of 4 stars; one submission).

Allele frequency attached by ClinVar (database versions not stated): gnomAD exomes 0.00001; ExAC 0.00002; gnomAD 0.00002; TOPMed 0.00002; ESP Exome Variant Server 0.00008.
gnomAD v4.1: 19 of 1,555,184 alleles (0.0012%); highest among the groups gnomAD compares: Non-Finnish European, 0.0017%; no homozygotes.

Submission:

Labcorp Genetics (formerly Invitae), Labcorp
Classification: Uncertain significance. Last evaluated: 2022-06-30. Review status: criteria provided, single submitter. Criteria: Invitae Variant Classification Sherloc (09022015). Collection method: clinical testing. Allele origin: germline.
Comment: This sequence change falls in intron 3 of the PIGB gene. It does not directly change the encoded amino acid sequence of the PIGB protein. This variant is present in population databases (rs376020628, gnomAD 0.004%). This variant has not been reported in the literature in individuals affected with PIGB-related conditions. Algorithms developed to predict the effect of sequence changes on RNA splicing suggest that this variant may disrupt the consensus splice site. In summary, the available evidence is currently insufficient to determine the role of this variant in disease. Therefore, it has been classified as a Variant of Uncertain Significance.